The following is an entry in ClinVar:

NM_001277313.2(FMN1):c.830G>T (p.Gly277Val)

Gene: FMN1 (formin 1; minus strand). Cytogenetic location: 15q13.3.
Variant type: single nucleotide variant.
Coding change: c.830G>T on transcript NM_001277313.2 (MANE Select); coding-DNA position 830, G replaced by T.
Protein change: p.Gly277Val; replaces glycine 277 with valine.
Molecular consequence: missense variant.
Genome position (GRCh38, 1-based): chr15:33,154,085, C>A on the plus strand (G>T on the coding strand, the complement: FMN1 is on the minus strand). VCF-style: chr15-33154085-C-A. GRCh37 (hg19) VCF-style: chr15-33446286-C-A.
Other names: c.830G>T, p.Gly277Val (NM_001277314.2); short protein forms G277V.
Identifiers: ClinVar variation 2007739 (VCV002007739.4), dbSNP rs1224615558, ClinGen allele CA391909833.
Genomic context (GRCh38, chr15:33,154,085, plus strand): 5'-TCAGACAAACCTGTTTGCTGATGCTCCAGCCCGCTCGGCGGCCTCCGAATGCCATCCCCT[C>A]CTGCCTCTGTGGAGCTGCAGTCAGGGGGCAGCACTTCTCTTCCAAGCCCAGTGTCCTTGA-3'
Protein context (NP_001264242.1, residues 267-287): LPPDCSSTEA[Gly277Val]GDGIRRPPSG

ClinVar aggregate classification (germline): Uncertain significance (1 of 4 stars; one submission).

Allele frequency attached by ClinVar (database versions not stated): TOPMed 0.00001.
gnomAD v4.1: 3 of 1,536,154 alleles (0.0002%); highest among the groups gnomAD compares: African/African-American, 0.0027%; no homozygotes.

Submission:

Labcorp Genetics (formerly Invitae), Labcorp
Classification: Uncertain significance. Last evaluated: 2025-03-31. Review status: criteria provided, single submitter. Criteria: Invitae Variant Classification Sherloc (09022015). Collection method: clinical testing. Allele origin: germline.
Comment: The FMN1 gene has multiple clinically relevant transcripts. This variant occurs in alternate transcript NM_001277314.1, and corresponds to NM_001103184.3:c.-86201G>T in the primary transcript. This sequence change replaces glycine, which is neutral and non-polar, with valine, which is neutral and non-polar, at codon 277 of the FMN1 protein (p.Gly277Val). This variant is not present in population databases (gnomAD no frequency). This variant has not been reported in the literature in individuals affected with FMN1-related conditions. Experimental studies and prediction algorithms are not available or were not evaluated, and the functional significance of this variant is currently unknown. In summary, the available evidence is currently insufficient to determine the role of this variant in disease. Therefore, it has been classified as a Variant of Uncertain Significance.